The following is an entry in ClinVar:

NM_007194.4(CHEK2):c.281C>A (p.Ala94Asp)

Gene: CHEK2 (checkpoint kinase 2; minus strand). Cytogenetic location: 22q12.1.
Variant type: single nucleotide variant.
Coding change: c.281C>A on transcript NM_007194.4 (MANE Select); coding-DNA position 281, C replaced by A.
Protein change: p.Ala94Asp; replaces alanine 94 with aspartic acid.
Molecular consequence: missense variant.
Genome position (GRCh38, 1-based): chr22:28,734,441, G>T on the plus strand (C>A on the coding strand, the complement: CHEK2 is on the minus strand). VCF-style: chr22-28734441-G-T. GRCh37 (hg19) VCF-style: chr22-29130429-G-T.
Other names: c.281C>A, p.Ala94Asp (NM_001005735.3, NM_001349956.3, NM_145862.3); c.-497C>A (NM_001257387.3); short protein forms A94D.
Identifiers: ClinVar variation 3653567 (VCV003653567.2).

ClinVar aggregate classification (germline): Uncertain significance (1 of 4 stars; one submission).

Conditions:
Familial cancer of breast. Also called: hereditary breast carcinoma; BREAST CANCER, FAMILIAL; Hereditary breast cancer. Identifiers: Orphanet 227535, MedGen C0346153, MONDO:0016419, OMIM 114480. Disease mechanism: loss of function.

Submission:

Labcorp Genetics (formerly Invitae), Labcorp
Classification: Uncertain significance for Familial cancer of breast. Last evaluated: 2024-05-16. Review status: criteria provided, single submitter. Criteria: Invitae Variant Classification Sherloc (09022015). Collection method: clinical testing. Allele origin: germline.
Comment: This sequence change replaces alanine, which is neutral and non-polar, with aspartic acid, which is acidic and polar, at codon 94 of the CHEK2 protein (p.Ala94Asp). This variant is not present in population databases (gnomAD no frequency). This variant has not been reported in the literature in individuals affected with CHEK2-related conditions. An algorithm developed to predict the effect of missense changes on protein structure and function (PolyPhen-2) suggests that this variant is likely to be tolerated. In summary, the available evidence is currently insufficient to determine the role of this variant in disease. Therefore, it has been classified as a Variant of Uncertain Significance.